The following is an entry in ClinVar:

ClinVar aggregate classification (germline): Uncertain significance (1 of 4 stars; one submission).

Allele frequency attached by ClinVar (database versions not stated): gnomAD exomes below 0.00001.

Submission:

Labcorp Genetics (formerly Invitae), Labcorp
Classification: Uncertain significance. Last evaluated: 2021-10-24. Review status: criteria provided, single submitter. Criteria: Invitae Variant Classification Sherloc (09022015). Collection method: clinical testing. Allele origin: germline.
Comment: In summary, the available evidence is currently insufficient to determine the role of this variant in disease. Therefore, it has been classified as a Variant of Uncertain Significance. Experimental studies and prediction algorithms are not available or were not evaluated, and the functional significance of this variant is currently unknown. This variant has not been reported in the literature in individuals affected with NEFH-related conditions. This variant is not present in population databases (ExAC no frequency). This variant, c.2836_2838del, results in the deletion of 1 amino acid(s) of the NEFH protein (p.Glu946del), but otherwise preserves the integrity of the reading frame.

NM_021076.4(NEFH):c.2836_2838del (p.Glu946del)

Gene: NEFH (neurofilament heavy chain; plus strand). Cytogenetic location: 22q12.2.
Variant type: Deletion.
Coding change: c.2836_2838del on transcript NM_021076.4 (MANE Select); coding-DNA positions 2836 to 2838, 3 bases deleted (GAG; older notation c.2836_2838delGAG).
Protein change: p.Glu946del; deletes glutamic acid 946.
Molecular consequence: inframe deletion.
Genome position (GRCh38, 1-based): chr22:29,490,476-29,490,478, GAG deleted. VCF-style (leftmost placement, unchanged base first): chr22-29490475-AGAG-A. GRCh37 (hg19) VCF-style: chr22-29886464-AGAG-A.
Other names: short protein forms E946del.
Identifiers: ClinVar variation 1515049 (VCV001515049.6), dbSNP rs1569198321, ClinGen allele CA920353044.